The following is an entry in ClinVar:

ClinVar aggregate classification (germline): Uncertain significance (1 of 4 stars; one submission).

Submission:

Labcorp Genetics (formerly Invitae), Labcorp
Classification: Uncertain significance. Last evaluated: 2024-02-17. Review status: criteria provided, single submitter. Criteria: Invitae Variant Classification Sherloc (09022015). Collection method: clinical testing. Allele origin: germline.
Comment: This sequence change replaces leucine, which is neutral and non-polar, with valine, which is neutral and non-polar, at codon 4259 of the FAT4 protein (p.Leu4259Val). This variant is not present in population databases (gnomAD no frequency). This variant has not been reported in the literature in individuals affected with FAT4-related conditions. ClinVar contains an entry for this variant (Variation ID: 2092630). Advanced modeling of protein sequence and biophysical properties (such as structural, functional, and spatial information, amino acid conservation, physicochemical variation, residue mobility, and thermodynamic stability) performed at Invitae indicates that this missense variant is not expected to disrupt FAT4 protein function with a negative predictive value of 95%. In summary, the available evidence is currently insufficient to determine the role of this variant in disease. Therefore, it has been classified as a Variant of Uncertain Significance.

NM_001291303.3(FAT4):c.12781T>G (p.Leu4261Val)

Gene: FAT4 (FAT atypical cadherin 4; plus strand). Cytogenetic location: 4q28.1.
Variant type: single nucleotide variant.
Coding change: c.12781T>G on transcript NM_001291303.3 (MANE Select); coding-DNA position 12781, T replaced by G.
Protein change: p.Leu4261Val; replaces leucine 4261 with valine.
Molecular consequence: missense variant.
Genome position (GRCh38, 1-based): chr4:125,481,697, T>G. VCF-style: chr4-125481697-T-G. GRCh37 (hg19) VCF-style: chr4-126402852-T-G.
Other names: c.12781T>G, p.Leu4261Val (NM_001291285.3); c.12775T>G, p.Leu4259Val (NM_024582.6); short protein forms L4259V, L4261V.
Identifiers: ClinVar variation 2092630 (VCV002092630.4), dbSNP rs2531022733, ClinGen allele CA358132790.
Genomic context (GRCh38, chr4:125,481,697, plus strand): 5'-GAGCCTTTTGGTGTGAACAGTCTGGAAGTAAAATTTAGGACCAGAAGCGAGAATGGCGTT[T>G]TAATCCATATCCAAGAAAGCAGCAATTACACTACTGTGAAGGTGAGATAAAAGCTAATGG-3'
Protein context (NP_001278232.1, residues 4251-4271): KFRTRSENGV[Leu4261Val]IHIQESSNYT